The following is an entry in ClinVar:

NM_003073.5(SMARCB1):c.630G>T (p.Glu210Asp)

Gene: SMARCB1 (SWI/SNF related BAF chromatin remodeling complex subunit B1; plus strand). Cytogenetic location: 22q11.23.
Variant type: single nucleotide variant.
Coding change: c.630G>T on transcript NM_003073.5 (MANE Select); coding-DNA position 630, G replaced by T.
Protein change: p.Glu210Asp; replaces glutamic acid 210 with aspartic acid.
Molecular consequence: missense variant.
Genome position (GRCh38, 1-based): chr22:23,816,771, G>T. VCF-style: chr22-23816771-G-T. GRCh37 (hg19) VCF-style: chr22-24158958-G-T.
Other names: c.603G>T, p.Glu201Asp (NM_001007468.3); c.657G>T, p.Glu219Asp (NM_001317946.2); c.684G>T, p.Glu228Asp (NM_001362877.2); short protein forms E201D, E228D, E210D, E219D.
Identifiers: ClinVar variation 1752795 (VCV001752795.7), dbSNP rs142218902, ClinGen allele CA322567892.

ClinVar aggregate classification (germline): Uncertain significance. Review status: criteria provided, multiple submitters, no conflicts (2 of 4 stars). 2 submissions from 2 submitters: Uncertain significance (2). Last evaluated 2025-03-12.

Conditions:
Hereditary cancer-predisposing syndrome. Also called: Neoplastic Syndromes, Hereditary; Tumor predisposition; Hereditary Cancer Syndrome; Hereditary neoplastic syndrome. Identifiers: Orphanet 140162, MedGen C0027672, MeSH D009386, MONDO:0015356.

Allele frequency attached by ClinVar (database versions not stated): TOPMed below 0.00001; gnomAD exomes 0.00002; ESP Exome Variant Server 0.00008.
gnomAD v4.1: 29 of 1,613,584 alleles (0.0018%); highest among the groups gnomAD compares: Non-Finnish European, 0.0024%; no homozygotes.

Submissions (2):

Ambry Genetics
Classification: Uncertain significance for Hereditary cancer-predisposing syndrome. Last evaluated: 2025-03-12. Review status: criteria provided, single submitter. Criteria: Ambry Variant Classification Scheme 2023. Collection method: clinical testing. Allele origin: germline.
Comment: The p.E210D variant (also known as c.630G>T), located in coding exon 6 of the SMARCB1 gene, results from a G to T substitution at nucleotide position 630. The glutamic acid at codon 210 is replaced by aspartic acid, an amino acid with highly similar properties. This variant was detected as heterozygous in individual(s) with no reported features of Coffin-Siris syndrome (Ambry internal data). This amino acid position is highly conserved in available vertebrate species. In addition, the in silico prediction for this alteration is inconclusive. Based on the supporting evidence, the association of this alteration with SMARCB1-related tumor predisposition syndrome is unknown; however, the association of this alteration with Coffin-Siris syndrome is unlikely.

Labcorp Genetics (formerly Invitae), Labcorp
Classification: Uncertain significance. Last evaluated: 2024-04-29. Review status: criteria provided, single submitter. Criteria: Invitae Variant Classification Sherloc (09022015). Collection method: clinical testing. Allele origin: germline.
Comment: This sequence change replaces glutamic acid, which is acidic and polar, with aspartic acid, which is acidic and polar, at codon 210 of the SMARCB1 protein (p.Glu210Asp). This variant is present in population databases (rs142218902, gnomAD 0.0009%). This variant has not been reported in the literature in individuals affected with SMARCB1-related conditions. ClinVar contains an entry for this variant (Variation ID: 1752795). An algorithm developed to predict the effect of missense changes on protein structure and function (PolyPhen-2) suggests that this variant is likely to be disruptive. In summary, the available evidence is currently insufficient to determine the role of this variant in disease. Therefore, it has been classified as a Variant of Uncertain Significance.